The following is an entry in ClinVar:

NM_001345.5(DGKA):c.606C>T (p.Asp202=)

Gene: DGKA (diacylglycerol kinase alpha; plus strand). Cytogenetic location: 12q13.2.
Variant type: single nucleotide variant.
Coding change: c.606C>T on transcript NM_001345.5 (MANE Select); coding-DNA position 606, C replaced by T.
Protein change: p.Asp202=; no amino-acid change (aspartic acid 202 retained).
Molecular consequence: synonymous variant. On other transcripts: 5 prime UTR variant (3), non-coding transcript variant (2).
Genome position (GRCh38, 1-based): chr12:55,939,426, C>T. VCF-style: chr12-55939426-C-T. GRCh37 (hg19) VCF-style: chr12-56333210-C-T.
Other names: c.606C>T, p.Asp202= (NM_001351033.2, NM_001351034.2, NM_201444.3 and 2 more transcripts); c.720C>T, p.Asp240= (NM_001351035.1); c.183C>T, p.Asp61= (NM_001351036.2, NM_001351037.1); c.-368C>T (NM_001351038.2, NM_001351039.2, NM_001351040.2); c.606C>T (NM_201444.2).
Identifiers: ClinVar variation 715651 (VCV000715651.6), dbSNP rs17118135, ClinGen allele CA6619291.
Genomic context (GRCh38, chr12:55,939,426, plus strand): 5'-GGCCCTGTAAGGGCTTTGACACTCCCTAGCATCTACTGTGCCTTCCTAGACTCTGAAGGA[C>T]GACGGACAGCACATGTGGAGGCCCAAGAGGTTCCCCAGACCAGTCTACTGCAATCTGTGC-3'
Protein context (NP_001336.2, residues 192-212): VLLGLEMTLK[Asp202=]DGQHMWRPKR

ClinVar aggregate classification (germline): Benign. Review status: criteria provided, multiple submitters, no conflicts (2 of 4 stars). 3 submissions from 3 submitters: Benign (2). 1 of the submissions does not count toward it. Last evaluated 2018-02-09.

Conditions:
DGKA-related disorder. Also called: DGKA-related condition.

Allele frequency attached by ClinVar (database versions not stated): gnomAD exomes 0.00177 and 0.00465; ExAC 0.00549; gnomAD 0.01399 and 0.01494; TOPMed 0.01442; 1000 Genomes Project 0.01498; ESP Exome Variant Server 0.01545; 1000 Genomes Project 30x 0.01640.
gnomAD v4.1: 4,764 of 1,614,116 alleles (0.3%); highest among the groups gnomAD compares: African/African-American, 4.6%; 105 homozygotes.

Submissions (3):

Labcorp Genetics (formerly Invitae), Labcorp
Classification: Benign. Last evaluated: 2018-02-09. Review status: criteria provided, single submitter. Criteria: Invitae Variant Classification Sherloc (09022015). Collection method: clinical testing. Allele origin: germline.

Breakthrough Genomics
Classification: Benign. Review status: criteria provided, single submitter. Criteria: ACMG Guidelines, 2015. Collection method: not provided. Allele origin: germline. Inheritance: Unknown mechanism. Affected: yes.

PreventionGenetics, part of Exact Sciences
Classification: Benign for DGKA-related condition. Last evaluated: 2019-04-09. Review status: no assertion criteria provided. Collection method: clinical testing. Allele origin: germline. Not counted in ClinVar's aggregate classification.
Comment: This variant is classified as benign based on ACMG/AMP sequence variant interpretation guidelines (Richards et al. 2015 PMID: 25741868, with internal and published modifications).